The following is an entry in ClinVar:

NM_001197104.2(KMT2A):c.9444G>T (p.Leu3148Phe)

Gene: KMT2A (lysine methyltransferase 2A; plus strand). Cytogenetic location: 11q23.3.
Variant type: single nucleotide variant.
Coding change: c.9444G>T on transcript NM_001197104.2 (MANE Select); coding-DNA position 9444, G replaced by T.
Protein change: p.Leu3148Phe; replaces leucine 3148 with phenylalanine.
Molecular consequence: missense variant.
Genome position (GRCh38, 1-based): chr11:118,505,336, G>T. VCF-style: chr11-118505336-G-T. GRCh37 (hg19) VCF-style: chr11-118376051-G-T.
Other names: c.9534G>T, p.Leu3178Phe (NM_001412597.1); c.9435G>T, p.Leu3145Phe (NM_005933.4); short protein forms L3148F, L3145F, L3178F.
Identifiers: ClinVar variation 4761498 (VCV004761498.1).

ClinVar aggregate classification (germline): Uncertain significance (1 of 4 stars; one submission).

Submission:

Labcorp Genetics (formerly Invitae), Labcorp
Classification: Uncertain significance. Last evaluated: 2025-11-25. Review status: criteria provided, single submitter. Criteria: Invitae Variant Classification Sherloc (09022015). Collection method: clinical testing. Allele origin: germline.
Comment: This sequence change replaces leucine, which is neutral and non-polar, with phenylalanine, which is neutral and non-polar, at codon 3148 of the KMT2A protein (p.Leu3148Phe). This variant is not present in population databases (gnomAD no frequency). This variant has not been reported in the literature in individuals affected with KMT2A-related conditions. Invitae Evidence Modeling of protein sequence and biophysical properties (such as structural, functional, and spatial information, amino acid conservation, physicochemical variation, residue mobility, and thermodynamic stability) indicates that this missense variant is not expected to disrupt KMT2A protein function with a negative predictive value of 95%. In summary, the available evidence is currently insufficient to determine the role of this variant in disease. Therefore, it has been classified as a Variant of Uncertain Significance.